The following is an entry in ClinVar:

ClinVar aggregate classification (germline): Benign (1 of 4 stars; one submission).

Allele frequency attached by ClinVar (database versions not stated): 1000 Genomes Project 30x 0.18332; gnomAD exomes 0.03111; gnomAD 0.14536 and 0.15312; TOPMed 0.15935; 1000 Genomes Project 0.17412.

Submissions (2):

GeneDx
Classification: Benign. Last evaluated: 2018-06-14. Review status: criteria provided, single submitter. Criteria: GeneDx Variant Classification (06012015). Collection method: clinical testing. Allele origin: germline. Affected: yes.
Comment: This variant is considered likely benign or benign based on one or more of the following criteria: it is a conservative change, it occurs at a poorly conserved position in the protein, it is predicted to be benign by multiple in silico algorithms, and/or has population frequency not consistent with disease.

Dr. Peter K. Rogan Lab, Western University
No classification provided (evidence only). Condition: Ovarian serous cystadenocarcinoma. Review status: no classification provided. Collection method: in vitro. Allele origin: not applicable. Functional consequence: retained intron. Not counted in ClinVar's aggregate classification.

NM_004588.5(SCN2B):c.448+103A>G

Gene: SCN2B (sodium voltage-gated channel beta subunit 2; minus strand). Cytogenetic location: 11q23.3.
Variant type: single nucleotide variant.
Coding change: c.448+103A>G on transcript NM_004588.5 (MANE Select); 103 bases into the intron after coding-DNA position 448, A replaced by G.
Molecular consequence: intron variant.
Genome position (GRCh38, 1-based): chr11:118,167,982, T>C on the plus strand (A>G on the coding strand, the complement: SCN2B is on the minus strand). VCF-style: chr11-118167982-T-C. GRCh37 (hg19) VCF-style: chr11-118038697-T-C.
Other names: NC_000011.9:g.118038697T>C.
Identifiers: ClinVar variation 674851 (VCV000674851.2), dbSNP rs648389, ClinGen allele CA16430570.